The following is an entry in ClinVar:

ClinVar aggregate classification (germline): Uncertain significance (1 of 4 stars; one submission).

Allele frequency attached by ClinVar (database versions not stated): TOPMed below 0.00001.

Submission:

Labcorp Genetics (formerly Invitae), Labcorp
Classification: Uncertain significance. Last evaluated: 2022-10-04. Review status: criteria provided, single submitter. Criteria: Invitae Variant Classification Sherloc (09022015). Collection method: clinical testing. Allele origin: germline.
Comment: Algorithms developed to predict the effect of missense changes on protein structure and function are either unavailable or do not agree on the potential impact of this missense change (SIFT: "Deleterious"; PolyPhen-2: "Benign"; Align-GVGD: "Class C0"). In summary, the available evidence is currently insufficient to determine the role of this variant in disease. Therefore, it has been classified as a Variant of Uncertain Significance. This variant has not been reported in the literature in individuals affected with ARHGAP31-related conditions. This variant is not present in population databases (gnomAD no frequency). This sequence change replaces arginine, which is basic and polar, with threonine, which is neutral and polar, at codon 1231 of the ARHGAP31 protein (p.Arg1231Thr).

NM_020754.4(ARHGAP31):c.3692G>C (p.Arg1231Thr)

Gene: ARHGAP31 (Rho GTPase activating protein 31; plus strand). Cytogenetic location: 3q13.33.
Variant type: single nucleotide variant.
Coding change: c.3692G>C on transcript NM_020754.4 (MANE Select); coding-DNA position 3692, G replaced by C.
Protein change: p.Arg1231Thr; replaces arginine 1231 with threonine.
Molecular consequence: missense variant.
Genome position (GRCh38, 1-based): chr3:119,415,621, G>C. VCF-style: chr3-119415621-G-C. GRCh37 (hg19) VCF-style: chr3-119134468-G-C.
Other names: short protein forms R1231T.
Identifiers: ClinVar variation 1715260 (VCV001715260.5), dbSNP rs551073503, ClinGen allele CA81698477.
Genomic context (GRCh38, chr3:119,415,621, plus strand): 5'-AGATCCCACAGCCCCTGCCCTCTCAGAGCTCAGGGGAGAATGGGGTTCAGCCTCTGGAGA[G>C]GAGCCAGGAGGGACCCAGCTCAACCAGTGGGACCACTCAGAAACCTGCCAAAGATGATTC-3'
Protein context (NP_065805.2, residues 1221-1241): SGENGVQPLE[Arg1231Thr]SQEGPSSTSG